The following is an entry in ClinVar:

ClinVar aggregate classification (germline): Uncertain significance (1 of 4 stars; one submission).

Conditions:
Leigh syndrome (NULS). Also called: Leigh's necrotizing encephalopathy; Leigh's disease; Leigh Syndrome (mtDNA deletion); Leigh Disease; Subacute necrotizing encephalopathy; Necrotizing encephalopathy infantile subacute of Leigh. Identifiers: Orphanet 506, MedGen C2931891, MONDO:0009723, OMIM 256000.

Submission:

Wong Mito Lab, Molecular and Human Genetics, Baylor College of Medicine
Classification: Uncertain significance for Leigh syndrome. Last evaluated: 2019-10-17. Review status: criteria provided, single submitter. Criteria: Modified ACMG Guidelines (Unpublished). Collection method: clinical testing. Allele origin: germline.
Comment: The NC_012920.1:m.5265A>G (YP_003024027.1:p.Ile266Val) variant in MTND2 gene is interpretated to be a Uncertain Significance variant based on the modified ACMG guidelines (unpublished). This variant meets the following evidence codes: PP4, BP4

NC_012920.1(MT-ND2):m.5265A>G

Gene: MT-ND2 (mitochondrially encoded NADH dehydrogenase 2; plus strand).
Variant type: single nucleotide variant.
Genome position: chrM-5265-A-G.
Identifiers: ClinVar variation 692561 (VCV000692561.1), dbSNP rs1603219856, ClinGen allele CA414779569.